The following is an entry in ClinVar:

ClinVar aggregate classification (germline): Uncertain significance (1 of 4 stars; one submission).

Conditions:
Autosomal recessive limb-girdle muscular dystrophy type 2D (LGMDR3). Also called: DUCHENNE-LIKE AUTOSOMAL RECESSIVE MUSCULAR DYSTROPHY, TYPE 2; MUSCULAR DYSTROPHY, LIMB-GIRDLE, AUTOSOMAL RECESSIVE 3; ADHALINOPATHY, PRIMARY. Identifiers: Orphanet 62, MedGen C2936332, MONDO:0011968, OMIM 608099. Disease mechanism: Affects gamma-sarcoglycan and also disrupts the integrity of the entire sarcoglycan complex..

Submission:

Myriad Genetics, Inc.
Classification: Uncertain significance for Autosomal recessive limb-girdle muscular dystrophy type 2D. Last evaluated: 2026-08-20. Review status: criteria provided, single submitter. Criteria: Myriad Autosomal Dominant, Autosomal Recessive and X-Linked Classification Criteria (2023). Collection method: clinical testing. Allele origin: unknown.
Comment: NM_000023.2(SGCA):c.114_152dup39(T39_H51dup) is an in-frame insertion classified as a variant of uncertain significance in the context of alpha-sarcoglycanopathy. T39_H51dup has not been observed in cases with relevant disease. Relevant functional assessments of this variant are not available in the literature. T39_H51dup has not been observed in referenced population frequency databases. In summary, there is insufficient evidence to classify NM_000023.2(SGCA):c.114_152dup39(T39_H51dup) as pathogenic or benign. Please note: this variant was assessed in the context of healthy population screening.

NM_000023.4(SGCA):c.114_152dup (p.His51_Val52insThrLeuAspHisGluThrPheLeuSerLeuProGluHis)

Gene: SGCA (sarcoglycan alpha; plus strand). Cytogenetic location: 17q21.33.
Variant type: Duplication.
Coding change: c.114_152dup on transcript NM_000023.4 (MANE Select); coding-DNA positions 114 to 152, 39 bases duplicated.
Protein change: p.His51_Val52insThrLeuAspHisGluThrPheLeuSerLeuProGluHis.
Molecular consequence: inframe insertion. On other transcripts: non-coding transcript variant (1).
Genome position (GRCh38, 1-based): chr17:50,167,444-50,167,482, 39 bases duplicated; duplicating any 39 consecutive bases within chr17:50,167,441-50,167,482 gives the same sequence; the c. name uses the placement nearest the transcript's 3' end. GRCh37 (hg19): chr17:48,244,805-48,244,843.
Other names: c.114_152dup, p.His51_Val52insThrLeuAspHisGluThrPheLeuSerLeuProGluHis (NM_001135697.3).
Identifiers: ClinVar variation 5004863 (VCV005004863.1).